The following is an entry in ClinVar:

ClinVar aggregate classification (germline): Uncertain significance (1 of 4 stars; one submission).

Submission:

Labcorp Genetics (formerly Invitae), Labcorp
Classification: Uncertain significance. Last evaluated: 2021-07-14. Review status: criteria provided, single submitter. Criteria: Invitae Variant Classification Sherloc (09022015). Collection method: clinical testing. Allele origin: germline.
Comment: In summary, the available evidence is currently insufficient to determine the role of this variant in disease. Therefore, it has been classified as a Variant of Uncertain Significance. Algorithms developed to predict the effect of missense changes on protein structure and function output the following: SIFT: "Tolerated"; PolyPhen-2: "Benign"; Align-GVGD: "Class C0". The alanine amino acid residue is found in multiple mammalian species, which suggests that this missense change does not adversely affect protein function. This variant has not been reported in the literature in individuals affected with TRAF3IP1-related conditions. This variant is not present in population databases (ExAC no frequency). This sequence change replaces threonine with alanine at codon 344 of the TRAF3IP1 protein (p.Thr344Ala). The threonine residue is weakly conserved and there is a small physicochemical difference between threonine and alanine.

NM_015650.4(TRAF3IP1):c.1030A>G (p.Thr344Ala)

Gene: TRAF3IP1 (TRAF3 interacting protein 1; plus strand). Cytogenetic location: 2q37.3.
Variant type: single nucleotide variant.
Coding change: c.1030A>G on transcript NM_015650.4 (MANE Select); coding-DNA position 1030, A replaced by G.
Protein change: p.Thr344Ala; replaces threonine 344 with alanine.
Molecular consequence: missense variant.
Genome position (GRCh38, 1-based): chr2:238,334,002, A>G. VCF-style: chr2-238334002-A-G. GRCh37 (hg19) VCF-style: chr2-239242643-A-G.
Other names: c.1030A>G, p.Thr344Ala (NM_001139490.1); short protein forms T344A.
Identifiers: ClinVar variation 1367589 (VCV001367589.8), dbSNP rs2106371081, ClinGen allele CA351248555.
Genomic context (GRCh38, chr2:238,334,002, plus strand): 5'-CATTCTTTTTTCTTTAAGACTGAGATTTCCACTAGAGCTTCCAAGTCATTGACAACAAAA[A>G]CATCAAAACGGCGATCCAAAAATTCAGTGGAAGGTACTGCAAAACTTATATATGTAGCTG-3'
Protein context (NP_056465.2, residues 334-354): TRASKSLTTK[Thr344Ala]SKRRSKNSVE